The following is an entry in ClinVar:

ClinVar aggregate classification (germline): Uncertain significance (1 of 4 stars; one submission).

Submission:

GeneDx
Classification: Uncertain significance. Last evaluated: 2024-09-07. Review status: criteria provided, single submitter. Criteria: GeneDx Variant Classification Process June 2021. Collection method: clinical testing. Allele origin: germline. Affected: yes.
Comment: In silico analysis indicates that this missense variant does not alter protein structure/function; Has not been previously published as pathogenic or benign to our knowledge; Not observed at significant frequency in large population cohorts (gnomAD); In silico analysis suggests this variant may impact gene splicing. In the absence of RNA/functional studies, the actual effect of this sequence change is unknown.

NM_007118.4(TRIO):c.5551G>A (p.Gly1851Arg)

Gene: TRIO (trio Rho guanine nucleotide exchange factor; plus strand). Cytogenetic location: 5p15.2.
Variant type: single nucleotide variant.
Coding change: c.5551G>A on transcript NM_007118.4 (MANE Select); coding-DNA position 5551, G replaced by A.
Protein change: p.Gly1851Arg; replaces glycine 1851 with arginine.
Molecular consequence: missense variant. On other transcripts: non-coding transcript variant (1).
Genome position (GRCh38, 1-based): chr5:14,462,809, G>A. VCF-style: chr5-14462809-G-A. GRCh37 (hg19) VCF-style: chr5-14462918-G-A.
Other names: short protein forms G1851R.
Identifiers: ClinVar variation 1329800 (VCV001329800.3), dbSNP rs2126507141, ClinGen allele CA359230832.